The following is an entry in ClinVar:

ClinVar aggregate classification (germline): Uncertain significance (1 of 4 stars; one submission).

Conditions:
Developmental and epileptic encephalopathy, 34 (DEE34). Also called: Early infantile epileptic encephalopathy 34; SLC12A5-Related Epilepsy of Infancy with Migrating Focal Seizures. Identifiers: Orphanet 293181, MedGen C4225257, MONDO:0014718, OMIM 616645.

Allele frequency attached by ClinVar (database versions not stated): gnomAD exomes 0.00002; TOPMed 0.00002; ExAC 0.00003; gnomAD 0.00003.
gnomAD v4.1: 28 of 1,612,676 alleles (0.0017%); highest among the groups gnomAD compares: East Asian, 0.0022%; no homozygotes.

Submission:

Labcorp Genetics (formerly Invitae), Labcorp
Classification: Uncertain significance for Developmental and epileptic encephalopathy, 34. Last evaluated: 2025-04-15. Review status: criteria provided, single submitter. Criteria: Invitae Variant Classification Sherloc (09022015). Collection method: clinical testing. Allele origin: germline.
Comment: This sequence change replaces arginine, which is basic and polar, with histidine, which is basic and polar, at codon 654 of the SLC12A5 protein (p.Arg654His). This variant is present in population databases (rs760824180, gnomAD 0.01%). This variant has not been reported in the literature in individuals affected with SLC12A5-related conditions. ClinVar contains an entry for this variant (Variation ID: 859732). Invitae Evidence Modeling of protein sequence and biophysical properties (such as structural, functional, and spatial information, amino acid conservation, physicochemical variation, residue mobility, and thermodynamic stability) indicates that this missense variant is not expected to disrupt SLC12A5 protein function with a negative predictive value of 80%. In summary, the available evidence is currently insufficient to determine the role of this variant in disease. Therefore, it has been classified as a Variant of Uncertain Significance.

NM_020708.5(SLC12A5):c.1961G>A (p.Arg654His)

Gene: SLC12A5 (solute carrier family 12 member 5; plus strand). Cytogenetic location: 20q13.12.
Variant type: single nucleotide variant.
Coding change: c.1961G>A on transcript NM_020708.5 (MANE Select); coding-DNA position 1961, G replaced by A.
Protein change: p.Arg654His; replaces arginine 654 with histidine.
Molecular consequence: missense variant.
Genome position (GRCh38, 1-based): chr20:46,048,034, G>A. VCF-style: chr20-46048034-G-A. GRCh37 (hg19) VCF-style: chr20-44676673-G-A.
Other names: c.2030G>A, p.Arg677His (NM_001134771.2); short protein forms R677H, R654H.
Identifiers: ClinVar variation 859732 (VCV000859732.7), dbSNP rs760824180, ClinGen allele CA9887490.